The following is an entry in ClinVar:

NM_002437.5(MPV17):c.263A>T (p.Lys88Met)

Gene: MPV17 (mitochondrial inner membrane protein MPV17; minus strand). Cytogenetic location: 2p23.3.
Variant type: single nucleotide variant.
Coding change: c.263A>T on transcript NM_002437.5 (MANE Select); coding-DNA position 263, A replaced by T.
Protein change: p.Lys88Met; replaces lysine 88 with methionine.
Molecular consequence: missense variant.
Genome position (GRCh38, 1-based): chr2:27,312,696, T>A on the plus strand (A>T on the coding strand, the complement: MPV17 is on the minus strand). VCF-style: chr2-27312696-T-A. GRCh37 (hg19) VCF-style: chr2-27535563-T-A.
Other names: c.263A>T (NM_002437.4); short protein forms K88M.
Identifiers: ClinVar variation 1345696 (VCV001345696.33), dbSNP rs756530281, ClinGen allele CA1575615.

ClinVar aggregate classification (germline): Conflicting classifications of pathogenicity. Review status: criteria provided, conflicting classifications (1 of 4 stars). 6 submissions from 6 submitters: Likely pathogenic (2); Uncertain significance (3). 1 of the submissions does not count toward it. Last evaluated 2026-04-23.

Conditions:
Mitochondrial DNA depletion syndrome 6 (hepatocerebral type). Also called: NAVAJO NEUROPATHY; Navajo neurohepatopathy; Mitochondrial DNA depletion syndrome type 6. Identifiers: Orphanet 255229, MedGen C1850406, MONDO:0009747, OMIM 256810.
Charcot-Marie-Tooth disease, axonal, type 2EE. Also called: CHARCOT-MARIE-TOOTH NEUROPATHY, TYPE 2EE. Identifiers: MedGen C5193076, MONDO:0032728, OMIM 618400.
MPV17-related disorder. Also called: MPV17-related condition; MPV17-related disorders. Identifiers: MedGen CN239328.

Allele frequency attached by ClinVar (database versions not stated): TOPMed 0.00003; gnomAD 0.00004; ExAC 0.00006; gnomAD exomes 0.00006.
gnomAD v4.1: 84 of 1,614,060 alleles (0.0052%); highest among the groups gnomAD compares: Middle Eastern, 0.016%; no homozygotes.

Submissions (6):

PreventionGenetics, part of Exact Sciences
Classification: Uncertain significance for MPV17-related condition. Last evaluated: 2026-04-23. Review status: criteria provided, single submitter. Criteria: ACMG Guidelines, 2015. Collection method: clinical testing. Allele origin: germline.
Comment: The MPV17 c.263A>T variant is predicted to result in the amino acid substitution p.Lys88Met. This variant has been reported in at least two individuals with clinical features consistent with MPV17-related disease (Dong et al. 2023. PubMed ID: 37981684; Garone et al. 2012. PubMed ID: 22964873). In both individuals, this variant was presumed to be in cis (on the same allele) with c.265A>T; p.Met89Leu [the combined variant is alternatively referred to as c.263_265delinsTGT; p.Lys88_Met89delinsMetLeu (El-Hattab et al. 2018. PubMed ID: 29282788)] and in trans (opposite allele) with a causative MPV17 variant, although segregation analysis was only performed in one of the two individuals. This variant is reported in 0.029% of alleles in individuals of Ashkenazi Jewish descent in gnomAD. An alternate missense change at the same amino acid position (c.262A>G; p.Lys88Glu) has been reported in the homozygous state in an individual with MPV17-related disease (El-Hattab et al. 2010. PubMed ID: 20074988). At this time, the clinical significance of this variant is uncertain due to the absence of conclusive functional and genetic evidence.

Labcorp Genetics (formerly Invitae), Labcorp
Classification: Uncertain significance. Last evaluated: 2025-12-19. Review status: criteria provided, single submitter. Criteria: Invitae Variant Classification Sherloc (09022015). Collection method: clinical testing. Allele origin: germline.
Comment: This sequence change replaces lysine, which is basic and polar, with methionine, which is neutral and non-polar, at codon 88 of the MPV17 protein (p.Lys88Met). This variant is present in population databases (rs756530281, gnomAD 0.02%). This variant has not been reported in the literature in individuals affected with MPV17-related conditions. ClinVar contains an entry for this variant (Variation ID: 1345696). Invitae Evidence Modeling of protein sequence and biophysical properties (such as structural, functional, and spatial information, amino acid conservation, physicochemical variation, residue mobility, and thermodynamic stability) indicates that this missense variant is expected to disrupt MPV17 protein function with a positive predictive value of 95%. In summary, the available evidence is currently insufficient to determine the role of this variant in disease. Therefore, it has been classified as a Variant of Uncertain Significance.

Department of Pathology and Laboratory Medicine, Sinai Health System
Classification: Likely pathogenic for Mitochondrial DNA depletion syndrome 6 (hepatocerebral type). Last evaluated: 2023-09-20. Review status: criteria provided, single submitter. Criteria: ACMG Guidelines, 2015. Collection method: research. Allele origin: germline.

CeGaT Center for Human Genetics Tuebingen
Classification: Uncertain significance. Last evaluated: 2023-03-01. Review status: criteria provided, single submitter. Criteria: CeGaT Center For Human Genetics Tuebingen Variant Classification Criteria Version 2. Collection method: clinical testing. Allele origin: germline. Affected: yes. Observed: 1 variant allele.
Comment: MPV17: PM2, PM5:Supporting

Neuberg Centre For Genomic Medicine, NCGM
Classification: Likely pathogenic for Mitochondrial DNA depletion syndrome 6 (hepatocerebral type). Review status: criteria provided, single submitter. Criteria: ACMG Guidelines, 2015. Collection method: clinical testing. Allele origin: germline. Inheritance: Autosomal recessive inheritance. Affected: yes.
Comment: The missense c.263A>Tp.Lys88Met variant in MPV17 gene has been reported previously in compound heterozygous state in individuals affected with mitochondrial DNA depletion syndrome Garone et al., 2012. This variant is reported with the allele frequency of 0.006% in the gnomAD Exomes and novel in 1000 Genomes. This variant has been reported to the ClinVar database as Likely Pathogenic. The amino acid Lys at position 88 is changed to a Met changing protein sequence and it might alter its composition and physico-chemical properties. The amino acid change p.Lys88Met in MPV17 is predicted as conserved by GERP++ and PhyloP across 100 vertebrates. The variant is predicted as damaging by SIFT. In at least one individual the data is consistent with being in trans on the opposite chromosome from a pathogenic variant. For these reasons, this variant has been classified as Likely Pathogenic.

Next Generation Genetic Polyclinic
Classification: Likely pathogenic for Charcot-Marie-Tooth disease, axonal, type 2EE. Review status: no assertion criteria provided. Collection method: clinical testing. Allele origin: inherited. Affected: yes. Not counted in ClinVar's aggregate classification.